The following is an entry in ClinVar:

ClinVar aggregate classification (germline): Uncertain significance (1 of 4 stars; one submission).

Allele frequency attached by ClinVar (database versions not stated): TOPMed below 0.00001.
gnomAD v4.1: 2 of 1,566,054 alleles (0.00013%); highest among the groups gnomAD compares: Non-Finnish European, 0.000086%; no homozygotes.

Submission:

Labcorp Genetics (formerly Invitae), Labcorp
Classification: Uncertain significance. Last evaluated: 2023-06-23. Review status: criteria provided, single submitter. Criteria: Invitae Variant Classification Sherloc (09022015). Collection method: clinical testing. Allele origin: germline.
Comment: This sequence change replaces glycine, which is neutral and non-polar, with tryptophan, which is neutral and slightly polar, at codon 73 of the RETREG1 protein (p.Gly73Trp). This variant is not present in population databases (gnomAD no frequency). This variant has not been reported in the literature in individuals affected with RETREG1-related conditions. ClinVar contains an entry for this variant (Variation ID: 1906484). An algorithm developed to predict the effect of missense changes on protein structure and function (PolyPhen-2) suggests that this variant is likely to be disruptive. In summary, the available evidence is currently insufficient to determine the role of this variant in disease. Therefore, it has been classified as a Variant of Uncertain Significance.

NM_001034850.3(RETREG1):c.217G>T (p.Gly73Trp)

Genes: RETREG1 (reticulophagy regulator 1; minus strand), RETREG1-AS1 (RETREG1 antisense RNA 1; plus strand), LOC129993734 (ATAC-STARR-seq lymphoblastoid silent region 15947; plus strand). Cytogenetic location: 5p15.1.
Variant type: single nucleotide variant.
Coding change: c.217G>T on transcript NM_001034850.3 (MANE Select); coding-DNA position 217, G replaced by T.
Protein change: p.Gly73Trp; replaces glycine 73 with tryptophan.
Molecular consequence: missense variant.
Genome position (GRCh38, 1-based): chr5:16,616,755, C>A on the plus strand (G>T on the coding strand, the complement: RETREG1 is on the minus strand). VCF-style: chr5-16616755-C-A. GRCh37 (hg19) VCF-style: chr5-16616864-C-A.
Other names: short protein forms G73W.
Identifiers: ClinVar variation 1906484 (VCV001906484.5), dbSNP rs747031648, ClinGen allele CA3210539.